The following is an entry in ClinVar:

ClinVar aggregate classification (germline): Uncertain significance (1 of 4 stars; one submission).

Allele frequency attached by ClinVar (database versions not stated): gnomAD exomes below 0.00001.
gnomAD v4.1: 2 of 1,614,226 alleles (0.00012%); highest among the groups gnomAD compares: Non-Finnish European, 0.00017%; no homozygotes.

Submission:

Ambry Genetics
Classification: Uncertain significance. Last evaluated: 2024-09-15. Review status: criteria provided, single submitter. Criteria: Ambry Variant Classification Scheme 2023. Collection method: clinical testing. Allele origin: germline.
Comment: The p.A451T variant (also known as c.1351G>A), located in coding exon 6 of the PALLD gene, results from a G to A substitution at nucleotide position 1351. The alanine at codon 451 is replaced by threonine, an amino acid with similar properties. This amino acid position is conserved. In addition, this alteration is predicted to be tolerated by in silico analysis. Since supporting evidence is limited at this time, the clinical significance of this alteration remains unclear.

NM_001166108.2(PALLD):c.1351G>A (p.Ala451Thr)

Gene: PALLD (palladin, cytoskeletal associated protein; plus strand). Cytogenetic location: 4q32.3.
Variant type: single nucleotide variant.
Coding change: c.1351G>A on transcript NM_001166108.2 (MANE Select); coding-DNA position 1351, G replaced by A.
Protein change: p.Ala451Thr; replaces alanine 451 with threonine.
Molecular consequence: missense variant.
Genome position (GRCh38, 1-based): chr4:168,690,618, G>A. VCF-style: chr4-168690618-G-A. GRCh37 (hg19) VCF-style: chr4-169611769-G-A.
Other names: c.205G>A, p.Ala69Thr (NM_001166109.2); c.1351G>A, p.Ala451Thr (NM_016081.4); short protein forms A69T, A451T.
Identifiers: ClinVar variation 1770613 (VCV001770613.3), dbSNP rs2531650643, ClinGen allele CA358795306.